The following is an entry in ClinVar:

ClinVar aggregate classification (germline): Uncertain significance (1 of 4 stars; one submission).

Submission:

Labcorp Genetics (formerly Invitae), Labcorp
Classification: Uncertain significance. Last evaluated: 2022-07-19. Review status: criteria provided, single submitter. Criteria: Invitae Variant Classification Sherloc (09022015). Collection method: clinical testing. Allele origin: germline.
Comment: This variant is not present in population databases (gnomAD no frequency). This sequence change replaces alanine, which is neutral and non-polar, with serine, which is neutral and polar, at codon 194 of the GPAA1 protein (p.Ala194Ser). In summary, the available evidence is currently insufficient to determine the role of this variant in disease. Therefore, it has been classified as a Variant of Uncertain Significance. Algorithms developed to predict the effect of missense changes on protein structure and function are either unavailable or do not agree on the potential impact of this missense change (SIFT: "Tolerated"; PolyPhen-2: "Probably Damaging"; Align-GVGD: "Class C0"). This variant has not been reported in the literature in individuals affected with GPAA1-related conditions.

NM_003801.4(GPAA1):c.580G>T (p.Ala194Ser)

Gene: GPAA1 (glycosylphosphatidylinositol anchor attachment 1; plus strand). Cytogenetic location: 8q24.3.
Variant type: single nucleotide variant.
Coding change: c.580G>T on transcript NM_003801.4 (MANE Select); coding-DNA position 580, G replaced by T.
Protein change: p.Ala194Ser; replaces alanine 194 with serine.
Molecular consequence: missense variant.
Genome position (GRCh38, 1-based): chr8:144,084,004, G>T. VCF-style: chr8-144084004-G-T. GRCh37 (hg19) VCF-style: chr8-145138907-G-T.
Other names: short protein forms A194S.
Identifiers: ClinVar variation 2053901 (VCV002053901.4), dbSNP rs2537315498, ClinGen allele CA372599760.